The following is an entry in ClinVar:

NM_015158.5(KANK1):c.3712C>G (p.Leu1238Val)

Gene: KANK1 (KN motif and ankyrin repeat domains 1; plus strand). Cytogenetic location: 9p24.3.
Variant type: single nucleotide variant.
Coding change: c.3712C>G on transcript NM_015158.5 (MANE Select); coding-DNA position 3712, C replaced by G.
Protein change: p.Leu1238Val; replaces leucine 1238 with valine.
Molecular consequence: missense variant. On other transcripts: non-coding transcript variant (1).
Genome position (GRCh38, 1-based): chr9:742,220, C>G. VCF-style: chr9-742220-C-G. GRCh37 (hg19) VCF-style: chr9-742220-C-G.
Other names: c.3712C>G, p.Leu1238Val (NM_001256876.3, NM_001256877.3, NM_001354334.2); c.3472C>G, p.Leu1158Val (NM_001354331.2); c.3658C>G, p.Leu1220Val (NM_001354332.2); c.3238C>G, p.Leu1080Val (NM_001354333.2, NM_001354335.2, NM_001354337.2 and 2 more transcripts); c.2944C>G, p.Leu982Val (NM_001354336.2); c.3184C>G, p.Leu1062Val (NM_001354338.2, NM_001354340.2, NM_001354344.2); c.2998C>G, p.Leu1000Val (NM_001354339.2, NM_001354342.2, NM_001354343.2); short protein forms L1000V, L1062V, L1080V, L1158V, L1220V, L1238V, L982V.
Identifiers: ClinVar variation 3603463 (VCV003603463.2).

ClinVar aggregate classification (germline): Uncertain significance (1 of 4 stars; one submission).

gnomAD v4.1: 4 of 1,614,034 alleles (0.00025%); highest among the groups gnomAD compares: Admixed American, 0.005%; no homozygotes.

Submission:

Labcorp Genetics (formerly Invitae), Labcorp
Classification: Uncertain significance. Last evaluated: 2025-01-06. Review status: criteria provided, single submitter. Criteria: Invitae Variant Classification Sherloc (09022015). Collection method: clinical testing. Allele origin: germline.
Comment: This sequence change replaces leucine, which is neutral and non-polar, with valine, which is neutral and non-polar, at codon 1238 of the KANK1 protein (p.Leu1238Val). This variant is present in population databases (no rsID available, gnomAD 0.003%). This variant has not been reported in the literature in individuals affected with KANK1-related conditions. An algorithm developed to predict the effect of missense changes on protein structure and function (PolyPhen-2) suggests that this variant is likely to be disruptive. In summary, the available evidence is currently insufficient to determine the role of this variant in disease. Therefore, it has been classified as a Variant of Uncertain Significance.